The following is an entry in ClinVar:

ClinVar aggregate classification (germline): Uncertain significance (1 of 4 stars; one submission).

Allele frequency attached by ClinVar (database versions not stated): gnomAD exomes below 0.00001; gnomAD 0.00001; TOPMed 0.00001.
gnomAD v4.1: 3 of 1,614,008 alleles (0.00019%); highest among the groups gnomAD compares: Non-Finnish European, 0.00025%; no homozygotes.

Submission:

Labcorp Genetics (formerly Invitae), Labcorp
Classification: Uncertain significance. Last evaluated: 2022-01-06. Review status: criteria provided, single submitter. Criteria: Invitae Variant Classification Sherloc (09022015). Collection method: clinical testing. Allele origin: germline.
Comment: This sequence change replaces glutamic acid, which is acidic and polar, with glycine, which is neutral and non-polar, at codon 447 of the ARSG protein (p.Glu447Gly). This variant is not present in population databases (gnomAD no frequency). This variant has not been reported in the literature in individuals affected with ARSG-related conditions. Algorithms developed to predict the effect of missense changes on protein structure and function (SIFT, PolyPhen-2, Align-GVGD) all suggest that this variant is likely to be tolerated. In summary, the available evidence is currently insufficient to determine the role of this variant in disease. Therefore, it has been classified as a Variant of Uncertain Significance.

NM_001267727.2(ARSG):c.1340A>G (p.Glu447Gly)

Genes: ARSG (arylsulfatase G; plus strand), PRKAR1A (protein kinase cAMP-dependent type I regulatory subunit alpha; plus strand). Cytogenetic location: 17q24.2.
Variant type: single nucleotide variant.
Coding change: c.1340A>G on transcript NM_001267727.2 (MANE Select); coding-DNA position 1340, A replaced by G.
Protein change: p.Glu447Gly; replaces glutamic acid 447 with glycine.
Molecular consequence: missense variant. On other transcripts: intron variant (3).
Genome position (GRCh38, 1-based): chr17:68,420,225, A>G. VCF-style: chr17-68420225-A-G. GRCh37 (hg19) VCF-style: chr17-66416366-A-G.
Other names: c.1340A>G, p.Glu447Gly (NM_001352899.2, NM_001352900.2, NM_001352901.2 and 2 more transcripts); c.1337A>G, p.Glu446Gly (NM_001352903.2, NM_001352904.2, NM_001352905.2 and 2 more transcripts); c.1303+18775A>G (NM_001352910.2); c.1255+18775A>G (NM_001352909.2); c.-7+6430A>G (NM_001278433.2); short protein forms E447G, E446G.
Identifiers: ClinVar variation 1518793 (VCV001518793.4), dbSNP rs2082685672, ClinGen allele CA400748899.